The following is an entry in ClinVar:

ClinVar aggregate classification (germline): Uncertain significance (1 of 4 stars; one submission).

Conditions:
Epidermodysplasia verruciformis. Identifiers: Orphanet 302, MedGen C0014522, MONDO:0009176.

Allele frequency attached by ClinVar (database versions not stated): gnomAD exomes below 0.00001 and 0.00001.
gnomAD v4.1: 4 of 1,613,946 alleles (0.00025%); highest among the groups gnomAD compares: Non-Finnish European, 0.00034%; no homozygotes.

Submission:

Labcorp Genetics (formerly Invitae), Labcorp
Classification: Uncertain significance for Epidermodysplasia verruciformis. Last evaluated: 2019-08-21. Review status: criteria provided, single submitter. Criteria: Invitae Variant Classification Sherloc (09022015). Collection method: clinical testing. Allele origin: germline.
Comment: In summary, the available evidence is currently insufficient to determine the role of this variant in disease. Therefore, it has been classified as a Variant of Uncertain Significance. Algorithms developed to predict the effect of missense changes on protein structure and function (SIFT, PolyPhen-2, Align-GVGD) all suggest that this variant is likely to be tolerated, but these predictions have not been confirmed by published functional studies and their clinical significance is uncertain. This variant has not been reported in the literature in individuals with TMC8-related conditions. This variant is not present in population databases (ExAC no frequency). This sequence change replaces alanine with serine at codon 570 of the TMC8 protein (p.Ala570Ser). The alanine residue is moderately conserved and there is a moderate physicochemical difference between alanine and serine.

NM_152468.5(TMC8):c.1708G>T (p.Ala570Ser)

Gene: TMC8 (transmembrane channel like 8; plus strand). Cytogenetic location: 17q25.3.
Variant type: single nucleotide variant.
Coding change: c.1708G>T on transcript NM_152468.5 (MANE Select); coding-DNA position 1708, G replaced by T.
Protein change: p.Ala570Ser; replaces alanine 570 with serine.
Molecular consequence: missense variant.
Genome position (GRCh38, 1-based): chr17:78,138,617, G>T. VCF-style: chr17-78138617-G-T. GRCh37 (hg19) VCF-style: chr17-76134698-G-T.
Other names: short protein forms A570S.
Identifiers: ClinVar variation 961651 (VCV000961651.10), dbSNP rs1225829294, ClinGen allele CA401251908.